The following is an entry in ClinVar:

NM_014991.6(WDFY3):c.7415G>C (p.Gly2472Ala)

Gene: WDFY3 (WD repeat and FYVE domain containing 3; minus strand). Cytogenetic location: 4q21.23.
Variant type: single nucleotide variant.
Coding change: c.7415G>C on transcript NM_014991.6 (MANE Select); coding-DNA position 7415, G replaced by C.
Protein change: p.Gly2472Ala; replaces glycine 2472 with alanine.
Molecular consequence: missense variant.
Genome position (GRCh38, 1-based): chr4:84,724,452, C>G on the plus strand (G>C on the coding strand, the complement: WDFY3 is on the minus strand). VCF-style: chr4-84724452-C-G. GRCh37 (hg19) VCF-style: chr4-85645605-C-G.
Other names: short protein forms G2472A.
Identifiers: ClinVar variation 3600792 (VCV003600792.1).

ClinVar aggregate classification (germline): Uncertain significance (1 of 4 stars; one submission).

Submission:

GeneDx
Classification: Uncertain significance. Last evaluated: 2024-07-23. Review status: criteria provided, single submitter. Criteria: GeneDx Variant Classification Process June 2021. Collection method: clinical testing. Allele origin: germline. Affected: yes.
Comment: Not observed at significant frequency in large population cohorts (gnomAD); In silico analysis indicates that this missense variant does not alter protein structure/function; Has not been previously published as pathogenic or benign to our knowledge